The following is an entry in ClinVar:

NM_001142864.4(PIEZO1):c.2330-9_2330-2dup

Genes: HSALR1 (HSP90AB1 associated lncRNA 1; plus strand), PIEZO1 (piezo type mechanosensitive ion channel component 1 (Er blood group); minus strand). Cytogenetic location: 16q24.3.
Variant type: Duplication.
Coding change: c.2330-9_2330-2dup on transcript NM_001142864.4 (MANE Select); 9 bases into the intron before coding-DNA position 2330 through the canonical splice acceptor site of the intron before coding-DNA position 2330, 8 bases duplicated (CCATCACA; older notation c.2330-9_2330-2dupCCATCACA).
Molecular consequence: splice acceptor variant.
Genome position (GRCh38, 1-based): chr16:88,733,747-88,733,754, TGTGATGG duplicated on the plus strand (CCATCACA on the coding strand, the reverse complement: PIEZO1 is on the minus strand); duplicating any 8 consecutive bases within chr16:88,733,747-88,733,759 gives the same sequence; the c. name uses the placement nearest the transcript's 3' end. VCF-style (leftmost placement, unchanged base first): chr16-88733746-C-CTGTGATGG. GRCh37 (hg19) VCF-style: chr16-88800154-C-CTGTGATGG.
Other names: c.2330-9_2330-2dupCCATCACA (NM_001142864.4); c.2330-9_2330-2dup8 (NM_001142864.3).
Identifiers: ClinVar variation 2664841 (VCV002664841.3), dbSNP rs1012235700, ClinGen allele CA286422903.

ClinVar aggregate classification (germline): Likely benign. Review status: criteria provided, multiple submitters, no conflicts (2 of 4 stars). 2 submissions from 2 submitters: Likely benign (2). Last evaluated 2025-04-11.

Conditions:
Dehydrated hereditary stomatocytosis with or without pseudohyperkalemia and/or perinatal edema (DHS1). Also called: Dehydrated hereditary stomatocytosis 1 with or without pseudohyperkalemia and/or perinatal edema; PSEUDOHYPERKALEMIA EDINBURGH; DEHYDRATED HEREDITARY STOMATOCYTOSIS AND PSEUDOHYPERKALEMIA; DEHYDRATED HEREDITARY STOMATOCYTOSIS WITH PSEUDOHYPERKALEMIA AND PERINATAL EDEMA; Pseudohyperkalemia, familial, 1, due to red cell leak. Identifiers: Orphanet 3202, MedGen C4551512, MONDO:0008689, OMIM 194380.
PIEZO1-related disorder. Also called: PIEZO1-related condition; PIEZO1-Related Disorders.

Submissions (2):

PreventionGenetics, part of Exact Sciences
Classification: Likely benign for PIEZO1-related condition. Last evaluated: 2025-04-11. Review status: criteria provided, single submitter. Criteria: ACMG Guidelines, 2015. Collection method: clinical testing. Allele origin: germline.
Comment: This variant is classified as likely benign based on ACMG/AMP sequence variant interpretation guidelines (Richards et al. 2015 PMID: 25741868, with internal and published modifications).

Genetics and Molecular Pathology, SA Pathology
Classification: Likely benign for Dehydrated hereditary stomatocytosis with or without pseudohyperkalemia and/or perinatal edema. Last evaluated: 2023-02-24. Review status: criteria provided, single submitter. Criteria: ACMG Guidelines, 2015. Collection method: clinical testing. Allele origin: germline. Inheritance: Autosomal dominant inheritance. Affected: yes.